The following is an entry in ClinVar:

NM_000179.3(MSH6):c.-17C>G

Gene: MSH6 (mutS homolog 6; plus strand). Cytogenetic location: 2p16.3.
Variant type: single nucleotide variant.
Coding change: c.-17C>G on transcript NM_000179.3 (MANE Select); 17 bases upstream of the start codon, C replaced by G.
Molecular consequence: 5 prime UTR variant.
Genome position (GRCh38, 1-based): chr2:47,783,217, C>G. VCF-style: chr2-47783217-C-G. GRCh37 (hg19) VCF-style: chr2-48010356-C-G.
Other names: c.-17C>G (NM_001281492.2); c.-753C>G (NM_001281493.2).
Identifiers: ClinVar variation 929229 (VCV000929229.6), dbSNP rs370816858, ClinGen allele CA1139655569.

ClinVar aggregate classification (germline): Conflicting classifications of pathogenicity. Review status: criteria provided, conflicting classifications (1 of 4 stars). 2 submissions from 2 submitters: Uncertain significance (1); Likely benign (1). Last evaluated 2025-03-04.

gnomAD v4.1: 1 of 1,611,190 alleles (0.000062%); highest among the groups gnomAD compares: Non-Finnish European, 0.000085%; no homozygotes.

Submissions (2):

Center for Genomic Medicine, Rigshospitalet, Copenhagen University Hospital
Classification: Likely benign. Last evaluated: 2025-03-04. Review status: criteria provided, single submitter. Criteria: ACMG Guidelines, 2015. Collection method: clinical testing. Allele origin: germline.

Women's Health and Genetics/Laboratory Corporation of America, LabCorp
Classification: Uncertain significance. Last evaluated: 2019-10-08. Review status: criteria provided, single submitter. Criteria: LabCorp Variant Classification Summary - May 2015. Collection method: clinical testing. Allele origin: germline.
Comment: Variant summary: MSH6 c.-17C>G is located in the untranslated mRNA region upstream of the initiation codon. The variant was absent in 244286 control chromosomes. The available data on variant occurrences in the general population are insufficient to allow any conclusion about variant significance. To our knowledge, no occurrence of c.-17C>G in individuals affected with Hereditary Non-Polyposis Colon Cancer and no experimental evidence demonstrating its impact on protein function have been reported. No clinical diagnostic laboratories have submitted clinical-significance assessments for this variant to ClinVar after 2014. Based on the evidence outlined above, the variant was classified as uncertain significance.